The following is an entry in ClinVar:

ClinVar aggregate classification (germline): Pathogenic. Review status: criteria provided, multiple submitters, no conflicts (2 of 4 stars). 4 submissions from 4 submitters: Pathogenic (3). 1 of the submissions does not count toward it. Last evaluated 2025-08-05.

Conditions:
Early-infantile DEE. Also called: Early infantile epileptic encephalopathy; Ohtahara syndrome; Early infantile epileptic encephalopathy with suppression bursts. Identifiers: Orphanet 1934, MedGen C0393706, MONDO:0800491.
Inborn genetic diseases. Identifiers: MedGen C0950123, MeSH D030342.
GNAO1-related disorder. Also called: GNAO1-related condition; GNAO1-Related Disorders. Identifiers: MedGen CN381308.
Choreoathetosis. Identifiers: MedGen C0085583, HP:0001266.

Submissions (4):

3billion
Classification: Pathogenic for GNAO1-related disorder. Last evaluated: 2025-08-05. Review status: criteria provided, single submitter. Criteria: ACMG Guidelines, 2015. Collection method: clinical testing. Allele origin: germline. Affected: yes.
Comment: The variant is not observed in the gnomAD v4.1.0 dataset. Predicted Consequence/Location: Canonical splice site: predicted to alter splicing and result in a loss or disruption of normal protein function. Multiple pathogenic loss-of-function variants are reported downstream of the variant. In silico tools predict the variant to alter splicing and produce an abnormal transcript [SpliceAI: 1.00 (spliceogenicity >=0.2, non-spliceogenicity <0.1)]. The variant has been previously reported as de novo in a similarly affected individual (PMID: 25533962). The variant has been reported at least twice as pathogenic without evidence for the classification (ClinVar ID: VCV000812780 /PMID: 28357411). Therefore, this variant is classified as Pathogenic according to the recommendation of ACMG/AMP guideline.

Labcorp Genetics (formerly Invitae), Labcorp
Classification: Pathogenic for Early-infantile DEE. Last evaluated: 2021-05-05. Review status: criteria provided, single submitter. Criteria: Invitae Variant Classification Sherloc (09022015). Collection method: clinical testing. Allele origin: germline.
Comment: This sequence change affects a donor splice site in intron 6 of the GNAO1 gene. It is expected to disrupt RNA splicing. Variants that disrupt the donor or acceptor splice site typically lead to a loss of protein function (PMID: 16199547), however the current clinical and genetic evidence is not sufficient to establish whether loss-of-function variants in GNAO1 cause disease. This variant is not present in population databases (ExAC no frequency). This variant has been observed in individual(s) with neurodevelopmental disorder with involuntary movements (PMID: 28357411, 25533962). In at least one individual the variant was observed to be de novo. ClinVar contains an entry for this variant (Variation ID: 812780). Algorithms developed to predict the effect of sequence changes on RNA splicing suggest that this variant may disrupt the consensus splice site, but this prediction has not been confirmed by published transcriptional studies. For these reasons, this variant has been classified as Pathogenic.

Ambry Genetics
Classification: Pathogenic for Inborn genetic diseases. Last evaluated: 2019-04-03. Review status: criteria provided, single submitter. Criteria: Ambry exome assertion method (8-5-2015). Collection method: clinical testing. Allele origin: germline. Affected: yes. Observed: 1 variant allele.

NIHR Bioresource Rare Diseases, University of Cambridge
Classification: Pathogenic for Choreoathetosis. Review status: no assertion criteria provided. Collection method: research. Allele origin: unknown. Affected: yes. Observed: 1 variant allele. Not counted in ClinVar's aggregate classification.

Literature cited by the submitters: PubMed 28357411 (cited by 3 submitters); PubMed 25533962 (cited by 3 submitters); PubMed 16199547 (cited by Labcorp Genetics (formerly Invitae), Labcorp); PubMed 28135719 (cited by Ambry Genetics); PubMed 28191890 (cited by Ambry Genetics); PubMed 32581362 (cited by NIHR Bioresource Rare Diseases, University of Cambridge).

NM_020988.3(GNAO1):c.723+1G>A

Gene: GNAO1 (G protein subunit alpha o1; plus strand). Cytogenetic location: 16q13.
Variant type: single nucleotide variant.
Coding change: c.723+1G>A on transcript NM_020988.3 (MANE Select); the canonical splice donor site of the intron after coding-DNA position 723, G replaced by A.
Molecular consequence: splice donor variant.
Genome position (GRCh38, 1-based): chr16:56,336,861, G>A. VCF-style: chr16-56336861-G-A. GRCh37 (hg19) VCF-style: chr16-56370773-G-A.
Other names: c.723+1G>A (NM_138736.3).
Identifiers: ClinVar variation 812780 (VCV000812780.12), dbSNP rs1596872804, ClinGen allele CA395952429.